The following is an entry in ClinVar:

NM_001376.5(DYNC1H1):c.13539C>G (p.Gly4513=)

Gene: DYNC1H1 (dynein cytoplasmic 1 heavy chain 1; plus strand). Cytogenetic location: 14q32.31.
Variant type: single nucleotide variant.
Coding change: c.13539C>G on transcript NM_001376.5 (MANE Select); coding-DNA position 13539, C replaced by G.
Protein change: p.Gly4513=; no amino-acid change (glycine 4513 retained).
Molecular consequence: synonymous variant.
Genome position (GRCh38, 1-based): chr14:102,049,737, C>G. VCF-style: chr14-102049737-C-G. GRCh37 (hg19) VCF-style: chr14-102516074-C-G.
Other names: c.13539C>G (NM_001376.4).
Identifiers: ClinVar variation 1664138 (VCV001664138.10), dbSNP rs1165803933, ClinGen allele CA488186942.
Genomic context (GRCh38, chr14:102,049,737, plus strand): 5'-CTGAGCTCCTTCCCCTGGGGGCTGCTGCTTTCCACAGAACATCCACGTGTGCCTGGGTGG[C>G]CTGTTCGTGCCTGAGGCGTACATCACTGCCACCAGGCAGTATGTGGCCCAGGCCAACAGC-3'
Protein context (NP_001367.2, residues 4503-4523): ELKNIHVCLG[Gly4513=]LFVPEAYITA

ClinVar aggregate classification (germline): Likely benign. Review status: criteria provided, single submitter (1 of 4 stars). 2 submissions from 2 submitters: Likely benign (1). 1 of the submissions does not count toward it. Last evaluated 2020-11-21.

Conditions:
Charcot-Marie-Tooth disease axonal type 2O. Also called: CHARCOT-MARIE-TOOTH NEUROPATHY, AXONAL, TYPE 2O; CHARCOT-MARIE-TOOTH DISEASE, AXONAL, AUTOSOMAL DOMINANT, TYPE 2O; Charcot-Marie-Tooth Neuropathy Type 2O; Charcot-Marie-Tooth disease, axonal, type 20. Identifiers: Orphanet 284232, MedGen C3280220, MONDO:0013644, OMIM 614228.
DYNC1H1-related disorder. Also called: DYNC1H1-related condition; DYNC1H1-related disorders. Identifiers: MedGen CN381529.

Allele frequency attached by ClinVar (database versions not stated): gnomAD 0.00001.
gnomAD v4.1: 2 of 1,613,792 alleles (0.00012%); highest among the groups gnomAD compares: Non-Finnish European, 0.000085%; no homozygotes.

Submissions (2):

Labcorp Genetics (formerly Invitae), Labcorp
Classification: Likely benign for Charcot-Marie-Tooth disease axonal type 2O. Last evaluated: 2020-11-21. Review status: criteria provided, single submitter. Criteria: Invitae Variant Classification Sherloc (09022015). Collection method: clinical testing. Allele origin: germline.

PreventionGenetics, part of Exact Sciences
Classification: Likely benign for DYNC1H1-related condition. Last evaluated: 2020-05-11. Review status: no assertion criteria provided. Collection method: clinical testing. Allele origin: germline. Not counted in ClinVar's aggregate classification.
Comment: This variant is classified as likely benign based on ACMG/AMP sequence variant interpretation guidelines (Richards et al. 2015 PMID: 25741868, with internal and published modifications).